The following is an entry in ClinVar:

NM_001943.5(DSG2):c.445G>T (p.Val149Phe)

Gene: DSG2 (desmoglein 2; plus strand). Cytogenetic location: 18q12.1.
Variant type: single nucleotide variant.
Coding change: c.445G>T on transcript NM_001943.5 (MANE Select); coding-DNA position 445, G replaced by T.
Protein change: p.Val149Phe; replaces valine 149 with phenylalanine.
Molecular consequence: missense variant.
Genome position (GRCh38, 1-based): chr18:31,521,165, G>T. VCF-style: chr18-31521165-G-T. GRCh37 (hg19) VCF-style: chr18-29101128-G-T.
Other names: short protein forms V149F.
Identifiers: ClinVar variation 1171169 (VCV001171169.2), dbSNP rs372606274, ClinGen allele CA402132127.

ClinVar aggregate classification (germline): Uncertain significance (1 of 4 stars; one submission).

Conditions:
Cardiomyopathy (CMYO). Also called: Cardiomyopathies. Identifiers: Orphanet 167848, MedGen C0878544, MONDO:0004994, HP:0001638. Inheritance: Various modes of inheritance.

Submission:

Color Diagnostics, LLC DBA Color Health
Classification: Uncertain significance for Cardiomyopathy. Last evaluated: 2020-06-24. Review status: criteria provided, single submitter. Criteria: ACMG Guidelines, 2015. Collection method: clinical testing. Allele origin: germline.
Comment: This missense variant replaces valine with phenylalanine at codon 149 of the DSG2 protein. Computational prediction suggests that this variant may have deleterious impact on protein structure and function (internally defined REVEL score threshold >= 0.7, PMID: 27666373). To our knowledge, functional studies have not been reported for this variant. This variant has been reported in one individual affected with arrhythmogenic right ventricular dysplasia/cardiomyopathy (PMID: 20031616, 21606396). This variant has not been identified in the general population by the Genome Aggregation Database (gnomAD). The available evidence is insufficient to determine the role of this variant in disease conclusively. Therefore, this variant is classified as a Variant of Uncertain Significance.